The following is an entry in ClinVar:

ClinVar aggregate classification (germline): Likely pathogenic (1 of 4 stars; one submission).

Conditions:
Sandhoff disease. Also called: GM2-GANGLIOSIDOSIS, TYPE II; HEXOSAMINIDASES A AND B DEFICIENCY; Beta-hexosaminidase-beta-subunit deficiency; GM2 gangliosidosis, type 2; Total hexosaminidase deficiency; Sandhoff-Jatzkewitz-Pilz disease. Identifiers: Orphanet 796, MedGen C0036161, MONDO:0010006, OMIM 268800.

Submission:

Natera, Inc.
Classification: Likely pathogenic for Sandhoff disease. Last evaluated: 2024-12-05. Review status: criteria provided, single submitter. Criteria: Natera Variant Classification Schema (03/2026). Collection method: clinical testing. Allele origin: germline.
Comment: The c.798_799dupTA variant in HEXB is a frameshift variant predicted to shift the reading frame beginning at codon 267 and leads to a stop codon 9 codons downstream. This variant is expected to result in nonsense mediated decay, truncation, or a dysfunctional protein product. This variant is rare in the general population with a frequency below the threshold expected for the associated phenotype(s). Given the available evidence, this variant is classified as Likely Pathogenic.

NM_000521.4(HEXB):c.798_799dup (p.Thr267fs)

Gene: HEXB (hexosaminidase subunit beta; plus strand). Cytogenetic location: 5q13.3.
Variant type: Microsatellite.
Coding change: c.798_799dup on transcript NM_000521.4 (MANE Select); coding-DNA positions 798 to 799, 2 bases duplicated (TA; older notation c.798_799dupTA).
Protein change: p.Thr267fs; shifts the reading frame from threonine 267.
Molecular consequence: frameshift variant.
Genome position (GRCh38, 1-based): chr5:74,713,532-74,713,533, TA duplicated; duplicating any 2 consecutive bases within chr5:74,713,530-74,713,533 gives the same sequence; the c. name uses the placement nearest the transcript's 3' end. VCF-style (leftmost placement, unchanged base first): chr5-74713529-T-TTA. GRCh37 (hg19) VCF-style: chr5-74009354-T-TTA.
Other names: c.123_124dup, p.Thr42fs (NM_001292004.2); short protein forms T267fs, T42fs.
Identifiers: ClinVar variation 4814296 (VCV004814296.1).
Genomic context (GRCh38, chr5:74,713,529, plus strand): 5'-TTGTACATTTTAACTTGAATAAATATGGCTTTTACAGGGAAGCTATTCTTTGTCTCATGT[T>TTA]TATACACCAAATGATGTCCGTATGGTGATTGAATATGCCAGATTACGAGGAATTCGAGTC-3'